The following is an entry in ClinVar:

ClinVar aggregate classification (germline): Uncertain significance (1 of 4 stars; one submission).

Conditions:
DiGeorge syndrome. Also called: Catch22; THIRD AND FOURTH PHARYNGEAL POUCH SYNDROME. Identifiers: Orphanet 567, MedGen C0012236, MONDO:0008564, OMIM 188400.

Allele frequency attached by ClinVar (database versions not stated): gnomAD 0.00002; TOPMed 0.00002; ExAC 0.00003; ESP Exome Variant Server 0.00015.
gnomAD v4.1: 28 of 1,614,076 alleles (0.0017%); highest among the groups gnomAD compares: East Asian, 0.045%; no homozygotes.

Submission:

Labcorp Genetics (formerly Invitae), Labcorp
Classification: Uncertain significance for DiGeorge syndrome. Last evaluated: 2023-10-05. Review status: criteria provided, single submitter. Criteria: Invitae Variant Classification Sherloc (09022015). Collection method: clinical testing. Allele origin: germline.
Comment: This sequence change replaces valine, which is neutral and non-polar, with methionine, which is neutral and non-polar, at codon 163 of the TBX1 protein (p.Val163Met). This variant is present in population databases (rs368122035, gnomAD 0.007%). This variant has not been reported in the literature in individuals affected with TBX1-related conditions. Advanced modeling of protein sequence and biophysical properties (such as structural, functional, and spatial information, amino acid conservation, physicochemical variation, residue mobility, and thermodynamic stability) performed at Invitae indicates that this missense variant is not expected to disrupt TBX1 protein function. In summary, the available evidence is currently insufficient to determine the role of this variant in disease. Therefore, it has been classified as a Variant of Uncertain Significance.

NM_001379200.1(TBX1):c.514G>A (p.Val172Met)

Gene: TBX1 (T-box transcription factor 1; plus strand). Cytogenetic location: 22q11.21.
Variant type: single nucleotide variant.
Coding change: c.514G>A on transcript NM_001379200.1 (MANE Select); coding-DNA position 514, G replaced by A.
Protein change: p.Val172Met; replaces valine 172 with methionine.
Molecular consequence: missense variant.
Genome position (GRCh38, 1-based): chr22:19,763,317, G>A. VCF-style: chr22-19763317-G-A. GRCh37 (hg19) VCF-style: chr22-19750840-G-A.
Other names: c.487G>A, p.Val163Met (NM_005992.1, NM_080646.2, NM_080647.1); short protein forms V163M, V172M.
Identifiers: ClinVar variation 2867757 (VCV002867757.3), dbSNP rs368122035, ClinGen allele CA10102456.